The following is an entry in ClinVar:

NM_004370.6(COL12A1):c.5452C>A (p.Pro1818Thr)

Gene: COL12A1 (collagen type XII alpha 1 chain; minus strand). Cytogenetic location: 6q13.
Variant type: single nucleotide variant.
Coding change: c.5452C>A on transcript NM_004370.6 (MANE Select); coding-DNA position 5452, C replaced by A.
Protein change: p.Pro1818Thr; replaces proline 1818 with threonine.
Molecular consequence: missense variant.
Genome position (GRCh38, 1-based): chr6:75,134,798, G>T on the plus strand (C>A on the coding strand, the complement: COL12A1 is on the minus strand). VCF-style: chr6-75134798-G-T. GRCh37 (hg19) VCF-style: chr6-75844514-G-T.
Other names: c.1960C>A, p.Pro654Thr (NM_080645.3); short protein forms P1818T, P654T.
Identifiers: ClinVar variation 2152374 (VCV002152374.4), dbSNP rs2533295457, ClinGen allele CA364736320.

ClinVar aggregate classification (germline): Uncertain significance (1 of 4 stars; one submission).

Conditions:
Ullrich congenital muscular dystrophy 2 (UCMD2). Identifiers: Orphanet 75840, MedGen C4225314, MONDO:0014654, OMIM 616470.
Bethlem myopathy 2 (BTHLM2). Identifiers: Orphanet 536516, Orphanet 610, MedGen C4225313, MONDO:0034022, OMIM 616471.

Allele frequency attached by ClinVar (database versions not stated): gnomAD exomes below 0.00001.
gnomAD v4.1: 1 of 1,613,404 alleles (0.000062%); highest among the groups gnomAD compares: Non-Finnish European, 0.000085%; no homozygotes.

Submission:

Labcorp Genetics (formerly Invitae), Labcorp
Classification: Uncertain significance for Bethlem myopathy 2; Ullrich congenital muscular dystrophy 2. Last evaluated: 2023-02-01. Review status: criteria provided, single submitter. Criteria: Invitae Variant Classification Sherloc (09022015). Collection method: clinical testing. Allele origin: germline.
Comment: This sequence change replaces proline, which is neutral and non-polar, with threonine, which is neutral and polar, at codon 1818 of the COL12A1 protein (p.Pro1818Thr). This variant is not present in population databases (gnomAD no frequency). This variant has not been reported in the literature in individuals affected with COL12A1-related conditions. Advanced modeling of protein sequence and biophysical properties (such as structural, functional, and spatial information, amino acid conservation, physicochemical variation, residue mobility, and thermodynamic stability) performed at Invitae indicates that this missense variant is not expected to disrupt COL12A1 protein function. In summary, the available evidence is currently insufficient to determine the role of this variant in disease. Therefore, it has been classified as a Variant of Uncertain Significance.